The following is an entry in ClinVar:

NM_000288.4(PEX7):c.340-10A>G

Gene: PEX7 (peroxisomal biogenesis factor 7; plus strand). Cytogenetic location: 6q23.3.
Variant type: single nucleotide variant.
Coding change: c.340-10A>G on transcript NM_000288.4 (MANE Select); 10 bases into the intron before coding-DNA position 340, A replaced by G.
Molecular consequence: intron variant.
Genome position (GRCh38, 1-based): chr6:136,845,605, A>G. VCF-style: chr6-136845605-A-G. GRCh37 (hg19) VCF-style: chr6-137166743-A-G.
Other names: p.?; IVS3, A-G, -10.
Identifiers: ClinVar variation 7787 (VCV000007787.36), dbSNP rs267608255, ClinGen allele CA119074.

ClinVar aggregate classification (germline): Conflicting classifications of pathogenicity. Review status: criteria provided, conflicting classifications (1 of 4 stars). 16 submissions from 16 submitters: Pathogenic (1); Likely pathogenic (10); Uncertain significance (3). 2 of the submissions do not count toward it. Last evaluated 2026-08-18.

Conditions:
PEX7-related disorder. Also called: PEX7-related condition; PEX7-related disorders. Identifiers: MedGen CN239409.
Rhizomelic chondrodysplasia punctata (RCDP). Identifiers: Orphanet 177, MedGen C0282529, MONDO:0015776. Disease mechanism: loss of function.
Inborn genetic diseases. Identifiers: MedGen C0950123, MeSH D030342.
Retinal dystrophy. Also called: Inherited retinal dystrophy. Identifiers: Orphanet 71862, MedGen C0854723, MeSH D058499, MONDO:0019118, HP:0000556.
Peroxisome biogenesis disorder 9B. Also called: PEX7-Related Refsum Disease; Refsum disease, adult, 2; PEROXISOME BIOGENESIS DISORDER, PEX7-RELATED, ATYPICAL. Identifiers: Orphanet 773, MedGen C2749346, MONDO:0013945, OMIM 614879.
Rhizomelic chondrodysplasia punctata type 1 (RCDP1). Also called: PEROXISOME BIOGENESIS DISORDER 9; CHONDRODYSTROPHIA CALCIFICANS PUNCTATA; PEX7-Related Rhizomelic Chondrodysplasia Punctata. Identifiers: Orphanet 177, Orphanet 309789, MedGen C1859133, MONDO:0008972, OMIM 215100. Disease mechanism: loss of function.
Refsum disease, classic. Also called: PHYH-Related Refsum Disease; PHYTANIC ACID OXIDASE DEFICIENCY; HEREDOPATHIA ATACTICA POLYNEURITIFORMIS; HMSN IV. Identifiers: Orphanet 773, MedGen C5780941, MONDO:1060256, OMIM 266500. Disease mechanism: loss of function.
Peroxisome biogenesis disorder. Identifiers: Orphanet 79189, MedGen C1832200, MONDO:0019234. Disease mechanism: loss of function.

Allele frequency attached by ClinVar (database versions not stated): gnomAD 0.00007 and 0.00006; ESP Exome Variant Server 0.00008; ExAC 0.00012; TOPMed 0.00007; gnomAD exomes 0.00006 and 0.00013.
gnomAD v4.1: 105 of 1,551,508 alleles (0.0068%); highest among the groups gnomAD compares: Admixed American, 0.0067%; no homozygotes.

Submissions (16):

PreventionGenetics, part of Exact Sciences
Classification: Uncertain significance for PEX7-related condition. Last evaluated: 2026-08-18. Review status: criteria provided, single submitter. Criteria: ACMG Guidelines, 2015. Collection method: clinical testing. Allele origin: germline.
Comment: The PEX7 c.340-10A>G variant is predicted to interfere with splicing. This variant, denoted as IVS3-1A>G, has been reported in combination with a second pathogenic variant in one patient with a mild form of rhizomelic chondrodysplasia punctata (Table 3, patient 146, noted to have cataracts) and another patient with the milder form of adult refsum disease (patient 147), also known as peroxisome biogenesis disorder 9B. RT-PCR transcript sequencing of fibroblasts from these two patients indicated that the c.340-10A>G allele variant resulted in a low level of normally spliced transcript, possibly explaining the milder phenotype seen in these two patients (Braverman et al. 2002. PubMed ID: 12325024). This variant is reported in 0.22% of alleles in individuals of Ashkenazi Jewish descent in gnomAD. Although we suspect that this variant may be pathogenic, at this time, the clinical significance of this variant is uncertain due to the absence of conclusive functional and genetic evidence.

Myriad Genetics, Inc.
Classification: Uncertain significance for Peroxisome biogenesis disorder. Last evaluated: 2026-02-10. Review status: criteria provided, single submitter. Criteria: Myriad Autosomal Dominant, Autosomal Recessive and X-Linked Classification Criteria (2023). Collection method: clinical testing. Allele origin: unknown.
Comment: NM_000288.3(PEX7):c.340-10A>G is an intronic variant classified as a variant of uncertain significance in the context of PEX7-related disorders. c.340-10A>G has been observed in cases with relevant disease (PMID: 12325024). Relevant functional assessments of this variant are available in the literature (PMID: 12325024). c.340-10A>G has been observed in referenced population frequency databases. In summary, there is insufficient evidence to classify NM_000288.3(PEX7):c.340-10A>G as pathogenic or benign. Please note: this variant was assessed in the context of healthy population screening.

Labcorp Genetics (formerly Invitae), Labcorp
Classification: Pathogenic for Peroxisome biogenesis disorder 9B. Last evaluated: 2026-01-13. Review status: criteria provided, single submitter. Criteria: Invitae Variant Classification Sherloc (09022015). Collection method: clinical testing. Allele origin: germline.
Comment: This sequence change falls in intron 3 of the PEX7 gene. It does not directly change the encoded amino acid sequence of the PEX7 protein. This variant is present in population databases (rs267608255, gnomAD 0.2%). This variant has been observed in individual(s) with rhizomelic chondrodysplasia punctata (PMID: 12325024). In at least one individual the data is consistent with being in trans (on the opposite chromosome) from a pathogenic variant. This variant is also known as IVS3-10A>G. ClinVar contains an entry for this variant (Variation ID: 7787). Algorithms developed to predict the effect of sequence changes on RNA splicing suggest that this variant may disrupt the consensus splice site. For these reasons, this variant has been classified as Pathogenic.

Women's Health and Genetics/Laboratory Corporation of America, LabCorp
Classification: Likely pathogenic for Rhizomelic chondrodysplasia punctata type 1. Last evaluated: 2025-11-14. Review status: criteria provided, single submitter. Criteria: LabCorp Variant Classification Summary - May 2015. Collection method: clinical testing. Allele origin: germline.
Comment: Variant summary: PEX7 c.340-10A>G alters a non-conserved nucleotide located at a position not widely known to affect splicing. Several computational tools predict a significant impact on normal splicing: Two predict the variant abolishes a 3 acceptor site. One predict the variant weakens a 3 acceptor site. Three predict the variant creates a 3 acceptor site. At least one publication reports experimental evidence that this variant affects mRNA splicing. The variant allele was found at a frequency of 0.00013 in 251386 control chromosomes. This frequency is not significantly higher than estimated for disease-causing variants in PEX7, allowing no conclusion about variant significance. c.340-10A>G has been reported in the literature as a compound heterozygous genotype with other pathogenic variants in at-least two individuals, one affected with Rhizomelic Chondrodysplasia Punctata Type 1 and the other with milder features of adult Refsum disease (Braverman_2002). These data indicate that the variant may be associated with disease. The following publications have been ascertained in the context of this evaluation (PMID: 12325024, 14974078, 25851898). ClinVar contains an entry for this variant (Variation ID: 7787). Based on the evidence outlined above, the variant was classified as likely pathogenic.

Natera, Inc.
Classification: Likely pathogenic for Rhizomelic Chondrodysplasia Punctata. Last evaluated: 2025-10-27. Review status: criteria provided, single submitter. Criteria: Natera Variant Classification Schema (03/2026). Collection method: clinical testing. Allele origin: germline.
Comment: The c.340-10A>G variant in PEX7 is an intronic variant located outside the canonical splice sites. This variant is rare in the general population with a frequency below the threshold expected for the associated phenotype(s). This variant has been observed in one or more individuals affected with the associated recessive disease, as either homozygous or compound heterozygous with a second variant (PMID: 12325024). Functional studies show that this variant may disrupt protein function (PMID: 12325024). Computational prediction algorithms indicate this variant is likely to affect gene or protein function. Given the available evidence, this variant is classified as Likely Pathogenic.

Ambry Genetics
Classification: Likely pathogenic for Inborn genetic diseases. Last evaluated: 2024-12-20. Review status: criteria provided, single submitter. Criteria: Ambry Variant Classification Scheme 2023. Collection method: clinical testing. Allele origin: germline.
Comment: The c.340-10A>G intronic alteration results from an A to G substitution 10 nucleotides before coding exon 4 of the PEX7 gene. Based on data from gnomAD, the G allele has an overall frequency of 0.013% (32/251386) total alleles studied. The highest observed frequency was 0.218% (22/10074) of Ashkenazi Jewish alleles. This variant has been identified in conjunction with other PEX7 variants in individuals with features consistent with PEX7-related peroxisome biogenesis disorders (Braverman, 2002). This nucleotide position is not well conserved in available vertebrate species. In silico splice site analysis predicts that this alteration will weaken the native splice acceptor site and will result in the creation or strengthening of a novel splice acceptor site. Based on the available evidence, this alteration is classified as likely pathogenic.

Mayo Clinic Laboratories, Mayo Clinic
Classification: Likely pathogenic. Last evaluated: 2024-12-16. Review status: criteria provided, single submitter. Criteria: ACMG Guidelines, 2015. Collection method: clinical testing. Allele origin: germline. Observed: 2 variant alleles.
Comment: PM2_supporting, PM3_supporting, PVS1_strong

Blueprint Genetics
Classification: Likely pathogenic for PEX7-related disorders. Last evaluated: 2024-07-11. Review status: criteria provided, single submitter. Criteria: ACMG Guidelines, 2015. Collection method: clinical testing. Allele origin: germline. Affected: yes. Observed: 5 variant alleles.

Fulgent Genetics
Classification: Likely pathogenic for Rhizomelic chondrodysplasia punctata type 1; Peroxisome biogenesis disorder 9B. Last evaluated: 2024-06-23. Review status: criteria provided, single submitter. Criteria: ACMG Guidelines, 2015. Collection method: clinical testing. Allele origin: germline.

Baylor Genetics
Classification: Likely pathogenic for Peroxisome biogenesis disorder 9B. Last evaluated: 2024-03-24. Review status: criteria provided, single submitter. Criteria: ACMG Guidelines, 2015. Collection method: clinical testing. Allele origin: unknown.

Revvity Omics, Revvity
Classification: Likely pathogenic. Last evaluated: 2023-04-19. Review status: criteria provided, single submitter. Criteria: ACMG Guidelines, 2015. Collection method: clinical testing. Allele origin: germline.

Department of Pathology and Laboratory Medicine, Sinai Health System
Classification: Uncertain significance for peroxisome biogenesis disorder. Last evaluated: 2023-02-05. Review status: criteria provided, single submitter. Criteria: ACMG Guidelines, 2015. Collection method: research. Allele origin: germline.

Institute of Human Genetics, Univ. Regensburg, Univ. Regensburg
Classification: Likely pathogenic for Retinal dystrophy. Last evaluated: 2022-01-01. Review status: criteria provided, single submitter. Criteria: ACMG Guidelines, 2015. Collection method: clinical testing. Allele origin: germline. Affected: yes.

Eurofins Ntd Llc (ga)
Classification: Likely pathogenic. Last evaluated: 2017-12-29. Review status: criteria provided, single submitter. Criteria: EGL Classification Definitions 2015. Collection method: clinical testing. Allele origin: germline. Observed: 1 variant allele, 1 heterozygote.

OMIM
Classification: Pathogenic for PEROXISOME BIOGENESIS DISORDER 9B. Last evaluated: 2002-10-01. Review status: no assertion criteria provided. Collection method: literature only. Allele origin: germline. Not counted in ClinVar's aggregate classification.

GeneReviews
No classification provided. Condition: Refsum disease, classic. Review status: no classification provided. Collection method: literature only. Allele origin: unknown. Not counted in ClinVar's aggregate classification.

Literature cited by the submitters: PubMed 12325024 (cited by 8 submitters); PubMed 14974078 (cited by Women's Health and Genetics/Laboratory Corporation of America, LabCorp); PubMed 25851898 (cited by Women's Health and Genetics/Laboratory Corporation of America, LabCorp); PubMed 20301447 (cited by GeneReviews); NCBI Bookshelf NBK1270 (cited by GeneReviews).